The following is an entry in ClinVar:

NM_000051.4(ATM):c.597T>A (p.Cys199Ter)

Gene: ATM (ATM serine/threonine kinase; plus strand). Cytogenetic location: 11q22.3.
Variant type: single nucleotide variant.
Coding change: c.597T>A on transcript NM_000051.4 (MANE Select); coding-DNA position 597, T replaced by A.
Protein change: p.Cys199Ter; replaces cysteine 199 with a stop codon.
Molecular consequence: nonsense.
Genome position (GRCh38, 1-based): chr11:108,244,053, T>A. VCF-style: chr11-108244053-T-A. GRCh37 (hg19) VCF-style: chr11-108114780-T-A.
Other names: c.597T>A, p.Cys199Ter (NM_001351834.2); short protein forms C199*.
Identifiers: ClinVar variation 571452 (VCV000571452.15), dbSNP rs1565369633, ClinGen allele CA382528065.

ClinVar aggregate classification (germline): Pathogenic. Review status: criteria provided, multiple submitters, no conflicts (2 of 4 stars). 4 submissions from 4 submitters: Pathogenic (4). Last evaluated 2025-09-12.

Conditions:
Ataxia-telangiectasia syndrome (AT). Also called: AT, COMPLEMENTATION GROUP C; Cerebello-oculocutaneous telangiectasia; Immunodeficiency with ataxia telangiectasia; Ataxia-telangiectasia, complementation group D; ATAXIA-TELANGIECTASIA, FRESNO VARIANT; Ataxia-telangiectasia, complementation group E. Identifiers: Orphanet 100, MedGen C0004135, MONDO:0008840, OMIM 208900.
Familial cancer of breast. Also called: BREAST CANCER, FAMILIAL; hereditary breast carcinoma; Hereditary breast cancer. Identifiers: Orphanet 227535, MedGen C0346153, MONDO:0016419, OMIM 114480. Disease mechanism: loss of function.
Hereditary cancer-predisposing syndrome. Also called: Hereditary neoplastic syndrome; Neoplastic Syndromes, Hereditary; Hereditary Cancer Syndrome; Tumor predisposition. Identifiers: Orphanet 140162, MedGen C0027672, MeSH D009386, MONDO:0015356.

Submissions (4):

Ambry Genetics
Classification: Pathogenic for Hereditary cancer-predisposing syndrome. Last evaluated: 2025-09-12. Review status: criteria provided, single submitter. Criteria: Ambry Variant Classification Scheme 2023. Collection method: clinical testing. Allele origin: germline.
Comment: The p.C199* pathogenic mutation (also known as c.597T>A), located in coding exon 5 of the ATM gene, results from a T to A substitution at nucleotide position 597. This changes the amino acid from a cysteine to a stop codon within coding exon 5. This variant is considered to be rare based on population cohorts in the Genome Aggregation Database (gnomAD). This alteration is expected to result in loss of function by premature protein truncation or nonsense-mediated mRNA decay. As such, this alteration is interpreted as a disease-causing mutation.

Labcorp Genetics (formerly Invitae), Labcorp
Classification: Pathogenic for Ataxia-telangiectasia syndrome. Last evaluated: 2024-09-14. Review status: criteria provided, single submitter. Criteria: Invitae Variant Classification Sherloc (09022015). Collection method: clinical testing. Allele origin: germline.
Comment: This sequence change creates a premature translational stop signal (p.Cys199*) in the ATM gene. It is expected to result in an absent or disrupted protein product. Loss-of-function variants in ATM are known to be pathogenic (PMID: 23807571, 25614872). This variant is not present in population databases (gnomAD no frequency). This premature translational stop signal has been observed in individual(s) with ataxia telangiectasia (PMID: 10817650). ClinVar contains an entry for this variant (Variation ID: 571452). For these reasons, this variant has been classified as Pathogenic.

Myriad Genetics, Inc.
Classification: Pathogenic for Familial cancer of breast. Last evaluated: 2024-01-09. Review status: criteria provided, single submitter. Criteria: Myriad Autosomal Dominant, Autosomal Recessive and X-Linked Classification Criteria (2023). Collection method: clinical testing. Allele origin: unknown.
Comment: This variant is considered pathogenic. This variant creates a termination codon and is predicted to result in premature protein truncation.

Baylor Genetics
Classification: Pathogenic for Familial cancer of breast. Last evaluated: 2022-10-26. Review status: criteria provided, single submitter. Criteria: ACMG Guidelines, 2015. Collection method: clinical testing. Allele origin: unknown.

Literature cited by the submitters: PubMed 23807571 (cited by Labcorp Genetics (formerly Invitae), Labcorp); PubMed 25614872 (cited by Labcorp Genetics (formerly Invitae), Labcorp); PubMed 10817650 (cited by Labcorp Genetics (formerly Invitae), Labcorp).